The following is an entry in ClinVar:

NM_004539.4(NARS1):c.1189A>G (p.Ile397Val)

Gene: NARS1 (asparaginyl-tRNA synthetase 1; minus strand). Cytogenetic location: 18q21.31.
Variant type: single nucleotide variant.
Coding change: c.1189A>G on transcript NM_004539.4 (MANE Select); coding-DNA position 1189, A replaced by G.
Protein change: p.Ile397Val; replaces isoleucine 397 with valine.
Molecular consequence: missense variant.
Genome position (GRCh38, 1-based): chr18:57,605,919, T>C on the plus strand (A>G on the coding strand, the complement: NARS1 is on the minus strand). VCF-style: chr18-57605919-T-C. GRCh37 (hg19) VCF-style: chr18-55273151-T-C.
Other names: short protein forms I397V.
Identifiers: ClinVar variation 2524841 (VCV002524841.27), dbSNP rs79435773, ClinGen allele CA8973492.
Genomic context (GRCh38, chr18:57,605,919, plus strand): 5'-CTCCAAATTCATAGAAAGTTCCATCTTCTTTCTTTACATCATGTTCTTTTAGCCAAACGA[T>C]AGCATCTGAATAGTTCATCCGTTTGAAAGGCCGTTTGGGGGGCTGAAAGTTCTACAGAAG-3'
Protein context (NP_004530.1, residues 387-407): PFKRMNYSDA[Ile397Val]VWLKEHDVKK

ClinVar aggregate classification (germline): Likely benign. Review status: criteria provided, multiple submitters, no conflicts (2 of 4 stars). 3 submissions from 3 submitters: Likely benign (2). 1 of the submissions does not count toward it. Last evaluated 2024-11-01.

Conditions:
NARS1-related disorder. Also called: NARS1-related condition.

Allele frequency attached by ClinVar (database versions not stated): 1000 Genomes Project 0.00080; 1000 Genomes Project 30x 0.00109; TOPMed 0.00191; gnomAD 0.00209; ESP Exome Variant Server 0.00246; gnomAD exomes 0.00296; ExAC 0.00330.
gnomAD v4.1: 4,587 of 1,613,734 alleles (0.28%); highest among the groups gnomAD compares: Non-Finnish European, 0.35%; 11 homozygotes.

Submissions (3):

CeGaT Center for Human Genetics Tuebingen
Classification: Likely benign. Last evaluated: 2024-11-01. Review status: criteria provided, single submitter. Criteria: CeGaT Center For Human Genetics Tuebingen Variant Classification Criteria Version 2. Collection method: clinical testing. Allele origin: germline. Affected: yes. Observed: 13 variant alleles.
Comment: NARS1: BP4, BS2

Ambry Genetics
Classification: Likely benign. Last evaluated: 2023-06-06. Review status: criteria provided, single submitter. Criteria: Ambry Variant Classification Scheme 2023. Collection method: clinical testing. Allele origin: germline.

PreventionGenetics, part of Exact Sciences
Classification: Likely benign for NARS1-related condition. Last evaluated: 2023-01-19. Review status: no assertion criteria provided. Collection method: clinical testing. Allele origin: germline. Not counted in ClinVar's aggregate classification.
Comment: This variant is classified as likely benign based on ACMG/AMP sequence variant interpretation guidelines (Richards et al. 2015 PMID: 25741868, with internal and published modifications).